The following is an entry in ClinVar:

ClinVar aggregate classification (germline): Benign/Likely benign. Review status: criteria provided, multiple submitters, no conflicts (2 of 4 stars). 6 submissions from 6 submitters: Benign (1); Likely benign (5). Last evaluated 2026-01-31.

Conditions:
Congenital dyserythropoietic anemia, type II (CDAN2). Also called: DYSERYTHROPOIETIC ANEMIA, HEMPAS TYPE. Identifiers: Orphanet 98873, MedGen C1306589, MONDO:0009134, OMIM 224100.
Cowden syndrome 7 (CWS7). Identifiers: Orphanet 201, MedGen C4225179, MONDO:0014802, OMIM 616858.

Allele frequency attached by ClinVar (database versions not stated): 1000 Genomes Project 0.00100; 1000 Genomes Project 30x 0.00109; TOPMed 0.00204; gnomAD 0.00218 and 0.00220; gnomAD exomes 0.00240 and 0.00368; ExAC 0.00246; ESP Exome Variant Server 0.00277.
gnomAD v4.1: 5,612 of 1,612,528 alleles (0.35%); highest among the groups gnomAD compares: South Asian, 0.42%; 22 homozygotes.

Submissions (6):

Labcorp Genetics (formerly Invitae), Labcorp
Classification: Benign for Congenital dyserythropoietic anemia, type II; Cowden syndrome 7. Last evaluated: 2026-01-31. Review status: criteria provided, single submitter. Criteria: Invitae Variant Classification Sherloc (09022015). Collection method: clinical testing. Allele origin: germline.

Mayo Clinic Laboratories, Mayo Clinic
Classification: Likely benign. Last evaluated: 2025-04-24. Review status: criteria provided, single submitter. Criteria: ACMG Guidelines, 2015. Collection method: clinical testing. Allele origin: germline. Observed: 11 variant alleles.
Comment: BS1, BP4, BP7

Blueprint Genetics
Classification: Likely benign. Last evaluated: 2024-11-26. Review status: criteria provided, single submitter. Criteria: ACMG Guidelines, 2015. Collection method: clinical testing. Allele origin: germline.

ARUP Laboratories, Molecular Genetics and Genomics, ARUP Laboratories
Classification: Likely benign. Last evaluated: 2023-09-22. Review status: criteria provided, single submitter. Criteria: ARUP Molecular Germline Variant Investigation Process 2024. Collection method: clinical testing. Allele origin: germline.

Genetic Services Laboratory, University of Chicago
Classification: Likely benign. Last evaluated: 2019-02-19. Review status: criteria provided, single submitter. Criteria: ACMG Guidelines, 2015. Collection method: clinical testing. Allele origin: germline. Affected: no.

Illumina Laboratory Services, Illumina
Classification: Likely benign for Congenital dyserythropoietic anemia, type II. Last evaluated: 2018-01-13. Review status: criteria provided, single submitter. Criteria: ICSL Variant Classification Criteria 13 December 2019. Collection method: clinical testing. Allele origin: germline.
Comment: This variant was observed in the ICSL laboratory as part of a predisposition screen in an ostensibly healthy population. It had not been previously curated by ICSL or reported in the Human Gene Mutation Database (HGMD: prior to June 1st, 2018), and was therefore a candidate for classification through an automated scoring system. Utilizing variant allele frequency, disease prevalence and penetrance estimates, and inheritance mode, an automated score was calculated to assess if this variant is too frequent to cause the disease. Based on the score and internal cut-off values, a variant classified as likely benign is not then subjected to further curation. The score for this variant resulted in a classification of likely benign for this disease.

NM_006363.6(SEC23B):c.689+10C>T

Genes: SEC23B (SEC23 homolog B, COPII component; plus strand), LOC126862987 (MED14-independent group 3 enhancer GRCh37_chr20:18504796-18505995; plus strand). Cytogenetic location: 20p11.23.
Variant type: single nucleotide variant.
Coding change: c.689+10C>T on transcript NM_006363.6 (MANE Select); 10 bases into the intron after coding-DNA position 689, C replaced by T.
Molecular consequence: intron variant.
Genome position (GRCh38, 1-based): chr20:18,525,030, C>T. VCF-style: chr20-18525030-C-T. GRCh37 (hg19) VCF-style: chr20-18505674-C-T.
Other names: p.?; c.689+10C>T (NM_032986.5, NM_001172745.3, NM_032985.6); c.635+10C>T (NM_001172746.3).
Identifiers: ClinVar variation 707129 (VCV000707129.21), dbSNP rs200020725, ClinGen allele CA9778094.